The following is an entry in ClinVar:

ClinVar aggregate classification (germline): Pathogenic. Review status: criteria provided, single submitter (1 of 4 stars). 2 submissions from 2 submitters: Pathogenic (1). 1 of the submissions does not count toward it. Last evaluated 2011-11-02.
ClinVar aggregate classification (somatic clinical impact): Tier I - Strong (1 of 4 stars; one submission).
ClinVar aggregate classification (oncogenicity): Oncogenic. Review status: criteria provided, single submitter (1 of 4 stars). 2 submissions from 2 submitters. 1 of the submissions does not count toward it. Last evaluated 2025-03-04.

Conditions:
Multiple myeloma (MM). Also called: Plasma cell myeloma; Multiple myeloma, somatic. Identifiers: Orphanet 29073, Orphanet 85443, MedGen C0026764, MeSH D009101, MONDO:0009693, OMIM 254500, HP:0006775.
Non-small cell lung carcinoma (NSCLC). Also called: Non-small cell lung cancer. Identifiers: MedGen C0007131, MeSH D002289, MONDO:0005233, HP:0030358. Disease mechanism: Other.
Germinoma. Also called: Germinoma (disease). Identifiers: MedGen C0206660, MONDO:0002598, HP:0100620.
Neoplasm. Also called: tumor; Neoplasms; Neoplasm (disease). Identifiers: MedGen C0027651, MeSH D009369, MONDO:0005070, HP:0002664.
Medullary thyroid carcinoma (MTC). Also called: Medullary thyroid gland carcinoma. Identifiers: Orphanet 1332, MedGen C0238462, MeSH C536914, MONDO:0015277, HP:0002865.

Submissions (5):

Center for Genomic Medicine, Rigshospitalet, Copenhagen University Hospital
Classification: Oncogenic for Neoplasm. Last evaluated: 2025-03-04. Review status: criteria provided, single submitter. Criteria: ClinGen/CGC/VICC Guidelines for Oncogenicity, 2022. Collection method: clinical testing. Allele origin: somatic. Affected: yes.

Institute for Genomic Medicine (IGM) Clinical Laboratory, Nationwide Children's Hospital
Classification: Tier I - Strong for Germinoma. Assertion type: diagnostic. Clinical significance: supports diagnosis. Last evaluated: 2023-05-08. Review status: criteria provided, single submitter. Criteria: AMP/ASCO/CAP Guidelines, 2017. Collection method: clinical testing. Allele origin: somatic. Affected: yes.
Comment: Variant has Tier I (strong) clinical significance as a diagnostic inclusion criterion in germinoma, based on the following evidence: 1) Documented in one or more cancer databases (e.g., St. Jude Pecan, COSMIC, CIViC, OncoKB). 2) Appears in one or more well-established professional guidelines (e.g., World Health Organization [WHO]; National Comprehensive Cancer Network [NCCN]) as providing diagnostic, prognostic, or therapeutic information. 3) Information in the literature supports potential biologic effect of variant (PMID: 26854029). 4) Diagnostic for a specific tumor type/classification based on well-powered studies with expert-level consensus (Evidence Level B; PMIDs: 24896186, 27391150, 24452629).

Laboratory for Molecular Medicine, Mass General Brigham Personalized Medicine
Classification: Pathogenic for Non-small cell lung carcinoma. Last evaluated: 2011-11-02. Review status: criteria provided, single submitter. Criteria: LMM Criteria. Collection method: clinical testing. Allele origin: somatic. Observed: 7 variant alleles.

Genome Sciences Centre, British Columbia Cancer Agency
Classification: Likely oncogenic for Medullary thyroid carcinoma. Last evaluated: 2024-11-13. Review status: no assertion criteria provided. Collection method: research. Allele origin: somatic. Affected: yes. Observed: 1 variant allele. Not counted in ClinVar's aggregate classification.

Xiao lab, Department of Pathology, Memorial Sloan Kettering Cancer Center
Classification: Likely pathogenic for Multiple myeloma. Last evaluated: 2019-08-31. Review status: no assertion criteria provided. Collection method: clinical testing. Allele origin: somatic. Affected: yes. Not counted in ClinVar's aggregate classification.

Literature cited by the submitters: PubMed 26037647 (cited by Center for Genomic Medicine, Rigshospitalet, Copenhagen University Hospital); PubMed 26854029 (cited by Center for Genomic Medicine, Rigshospitalet, Copenhagen University Hospital and Institute for Genomic Medicine (IGM) Clinical Laboratory, Nationwide Children's Hospital); PubMed 24896186 (cited by Institute for Genomic Medicine (IGM) Clinical Laboratory, Nationwide Children's Hospital); PubMed 27391150 (cited by Institute for Genomic Medicine (IGM) Clinical Laboratory, Nationwide Children's Hospital); PubMed 24452629 (cited by Institute for Genomic Medicine (IGM) Clinical Laboratory, Nationwide Children's Hospital); PubMed 17062680 (cited by Laboratory for Molecular Medicine, Mass General Brigham Personalized Medicine); PubMed 15696205 (cited by Laboratory for Molecular Medicine, Mass General Brigham Personalized Medicine).

NM_004985.5(KRAS):c.182A>T (p.Gln61Leu)

Gene: KRAS (KRAS proto-oncogene, GTPase; minus strand). Cytogenetic location: 12p12.1.
Variant type: single nucleotide variant.
Coding change: c.182A>T on transcript NM_004985.5 (MANE Select); coding-DNA position 182, A replaced by T.
Protein change: p.Gln61Leu; replaces glutamine 61 with leucine.
Molecular consequence: missense variant.
Genome position (GRCh38, 1-based): chr12:25,227,342, T>A on the plus strand (A>T on the coding strand, the complement: KRAS is on the minus strand). VCF-style: chr12-25227342-T-A. GRCh37 (hg19) VCF-style: chr12-25380276-T-A.
Other names: c.182A>T, p.Gln61Leu (NM_001369786.1, NM_001369787.1, NM_033360.4); short protein forms Q61L.
Identifiers: ClinVar variation 45116 (VCV000045116.9), dbSNP rs121913240, ClinGen allele CA210876.
Genomic context (GRCh38, chr12:25,227,342, plus strand): 5'-ACACAAAGAAAGCCCTCCCCAGTCCTCATGTACTGGTCCCTCATTGCACTGTACTCCTCT[T>A]GACCTGCTGTGTCGAGAATATCCAAGAGACAGGTTTCTCCATCAATTACTACTTGCTTCC-3'
Protein context (NP_004976.2, residues 51-71): CLLDILDTAG[Gln61Leu]EEYSAMRDQY